The following is an entry in ClinVar:

NM_001370259.2(MEN1):c.1539del (p.Arg516fs)

Gene: MEN1 (menin 1; minus strand). Cytogenetic location: 11q13.1.
Variant type: Deletion.
Coding change: c.1539del on transcript NM_001370259.2 (MANE Select); coding-DNA position 1539, one base deleted (A; older notation c.1539delA).
Protein change: p.Arg516fs; shifts the reading frame from arginine 516.
Molecular consequence: frameshift variant.
Genome position (GRCh38, 1-based): chr11:64,804,628, T deleted on the plus strand (A on the coding strand, the reverse complement: MEN1 is on the minus strand). VCF-style (leftmost placement, unchanged base first): chr11-64804627-GT-G. GRCh37 (hg19) VCF-style: chr11-64572099-GT-G.
Other names: c.1539delA (NM_130799.2); c.1554del, p.Arg521fs (NM_130804.3, NM_000244.4, NM_130800.3 and 3 more transcripts); c.1665del, p.Arg558fs (NM_001370251.2); c.1539del, p.Arg516fs (NM_001370260.2, NM_001370261.2, NM_130799.3); c.1434del, p.Arg481fs (NM_001370262.2, NM_001370263.2); short protein forms R521fs, R558fs, R481fs, R516fs.
Identifiers: ClinVar variation 819433 (VCV000819433.13), dbSNP rs1592631908, ClinGen allele CA915948597.
Genomic context (GRCh38, chr11:64,804,627, plus strand): 5'-TGCTGCCACCTTCAGGGCCTCGGGCTGTGCCAGCGACAGTCCCAGGAGGCTTCCGGGGGG[GT>G]CCTGACACTGCACCCTGGCCGGTGCCCAGGCCCTTGTCCAGTGCTGGCTTCTTGGGCGGC-3'

ClinVar aggregate classification (germline): Pathogenic. Review status: criteria provided, multiple submitters, no conflicts (2 of 4 stars). 2 submissions from 2 submitters: Pathogenic (2). Last evaluated 2025-08-18.

Conditions:
Hereditary cancer-predisposing syndrome. Also called: Hereditary Cancer Syndrome; Neoplastic Syndromes, Hereditary; Hereditary neoplastic syndrome; Tumor predisposition. Identifiers: Orphanet 140162, MedGen C0027672, MeSH D009386, MONDO:0015356.
Multiple endocrine neoplasia, type 1 (MEN1). Also called: MEN I; WERMER SYNDROME; Endocrine adenomatosis multiple; MEN 1; MEA I. Identifiers: Orphanet 652, MedGen C0025267, MeSH D018761, MONDO:0007540, OMIM 131100.

Submissions (2):

Ambry Genetics
Classification: Pathogenic for Hereditary cancer-predisposing syndrome. Last evaluated: 2025-08-18. Review status: criteria provided, single submitter. Criteria: Ambry Variant Classification Scheme 2023. Collection method: clinical testing. Allele origin: germline.
Comment: The c.1539delA pathogenic mutation, located in coding exon 9 of the MEN1 gene, results from a deletion of one nucleotide at nucleotide position 1539, causing a translational frameshift with a predicted alternate stop codon (p.R516Gfs*43). This variant was reported in individual(s) with features consistent with multiple endocrine neoplasia type 1 (Ambry internal data). This alteration occurs at the 3' terminus of theMEN1 gene, is not expected to trigger nonsense-mediated mRNA decay, and impacts 15% of the protein. However, premature stop codons are typically deleterious in nature and the impacted region is critical for protein function (Ambry internal data). This variant is considered to be rare based on population cohorts in the Genome Aggregation Database (gnomAD). Based on the supporting evidence, this variant is interpreted as a disease-causing mutation.

Labcorp Genetics (formerly Invitae), Labcorp
Classification: Pathogenic for Multiple endocrine neoplasia, type 1. Last evaluated: 2021-05-24. Review status: criteria provided, single submitter. Criteria: Invitae Variant Classification Sherloc (09022015). Collection method: clinical testing. Allele origin: germline.
Comment: This frameshift change has been reported in individuals and families affected with multiple endocrine neoplasia type 1, or related disorders (PMID: 9215689, 12112656, 12213668, 15670192, 17065424, 17853334, 23321498). It is considered to be a recurrent pathogenic mutation (PMID: 17879353). ClinVar contains an entry for this variant (Variation ID: 819433). This variant is not present in population databases (ExAC no frequency). This sequence change creates a premature translational stop signal (p.Arg516Glyfs*43) in the MEN1 gene. While this is not anticipated to result in nonsense mediated decay, it is expected to disrupt the last 95 amino acid(s) of the MEN1 protein. For these reasons, this variant has been classified as Pathogenic.

Literature cited by the submitters: PubMed 9215689 (cited by Labcorp Genetics (formerly Invitae), Labcorp); PubMed 12112656 (cited by Labcorp Genetics (formerly Invitae), Labcorp); PubMed 12213668 (cited by Labcorp Genetics (formerly Invitae), Labcorp); PubMed 15670192 (cited by Labcorp Genetics (formerly Invitae), Labcorp); PubMed 17065424 (cited by Labcorp Genetics (formerly Invitae), Labcorp); PubMed 17853334 (cited by Labcorp Genetics (formerly Invitae), Labcorp); PubMed 23321498 (cited by Labcorp Genetics (formerly Invitae), Labcorp); PubMed 17879353 (cited by Labcorp Genetics (formerly Invitae), Labcorp).